The following is an entry in ClinVar:

NM_000465.4(BARD1):c.630T>A (p.Thr210=)

Gene: BARD1 (BRCA1 associated RING domain 1; minus strand). Cytogenetic location: 2q35.
Variant type: single nucleotide variant.
Coding change: c.630T>A on transcript NM_000465.4 (MANE Select); coding-DNA position 630, T replaced by A.
Protein change: p.Thr210=; no amino-acid change (threonine 210 retained).
Molecular consequence: synonymous variant. On other transcripts: non-coding transcript variant (2), intron variant (3).
Genome position (GRCh38, 1-based): chr2:214,781,244, A>T on the plus strand (T>A on the coding strand, the complement: BARD1 is on the minus strand). VCF-style: chr2-214781244-A-T. GRCh37 (hg19) VCF-style: chr2-215645968-A-T.
Other names: c.573T>A, p.Thr191= (NM_001282543.2); c.158+28168T>A (NM_001282548.2); c.215+15817T>A (NM_001282545.2); c.364+11053T>A (NM_001282549.2).
Identifiers: ClinVar variation 751404 (VCV000751404.16), dbSNP rs1574820293, ClinGen allele CA431391651.

ClinVar aggregate classification (germline): Benign/Likely benign. Review status: criteria provided, multiple submitters, no conflicts (2 of 4 stars). 3 submissions from 3 submitters: Benign (1); Likely benign (2). Last evaluated 2025-11-03.

Conditions:
Hereditary cancer-predisposing syndrome. Also called: Tumor predisposition; Hereditary neoplastic syndrome; Neoplastic Syndromes, Hereditary; Hereditary Cancer Syndrome. Identifiers: Orphanet 140162, MedGen C0027672, MeSH D009386, MONDO:0015356.
Familial cancer of breast. Also called: BREAST CANCER, FAMILIAL; hereditary breast carcinoma; Hereditary breast cancer. Identifiers: Orphanet 227535, MedGen C0346153, MONDO:0016419, OMIM 114480. Disease mechanism: loss of function.

Allele frequency attached by ClinVar (database versions not stated): gnomAD exomes below 0.00001.
gnomAD v4.1: 1 of 1,595,114 alleles (0.000063%); highest among the groups gnomAD compares: Non-Finnish European, 0.000085%; no homozygotes.

Submissions (3):

Labcorp Genetics (formerly Invitae), Labcorp
Classification: Likely benign for Familial cancer of breast. Last evaluated: 2025-11-03. Review status: criteria provided, single submitter. Criteria: Invitae Variant Classification Sherloc (09022015). Collection method: clinical testing. Allele origin: germline.

Myriad Genetics, Inc.
Classification: Benign for Familial cancer of breast. Last evaluated: 2024-07-22. Review status: criteria provided, single submitter. Criteria: Myriad Autosomal Dominant, Autosomal Recessive and X-Linked Classification Criteria (2023). Collection method: clinical testing. Allele origin: unknown.
Comment: This variant is considered benign. This variant is a silent/synonymous amino acid change and it is not expected to impact splicing.

Ambry Genetics
Classification: Likely benign for Hereditary cancer-predisposing syndrome. Last evaluated: 2019-01-24. Review status: criteria provided, single submitter. Criteria: Ambry Variant Classification Scheme 2023. Collection method: clinical testing. Allele origin: germline.